The following is an entry in ClinVar:

NM_015346.4(ZFYVE26):c.3077T>C (p.Val1026Ala)

Gene: ZFYVE26 (zinc finger FYVE-type containing 26; minus strand). Cytogenetic location: 14q24.1.
Variant type: single nucleotide variant.
Coding change: c.3077T>C on transcript NM_015346.4 (MANE Select); coding-DNA position 3077, T replaced by C.
Protein change: p.Val1026Ala; replaces valine 1026 with alanine.
Molecular consequence: missense variant.
Genome position (GRCh38, 1-based): chr14:67,786,176, A>G on the plus strand (T>C on the coding strand, the complement: ZFYVE26 is on the minus strand). VCF-style: chr14-67786176-A-G. GRCh37 (hg19) VCF-style: chr14-68252893-A-G.
Other names: short protein forms V1026A.
Identifiers: ClinVar variation 958657 (VCV000958657.6), dbSNP rs748310249, ClinGen allele CA7240080.
Genomic context (GRCh38, chr14:67,786,176, plus strand): 5'-GATTTGGTTTGACTGGCTGACATAAGCAGATAATTGAGACTCTTACTGATTTGCTGAAGA[A>G]CAACTGGAAAACCTCGAATGCCATCAGCATTTAGGAGTACGTGGTCTATCCGTCGACCTG-3'
Protein context (NP_056161.2, residues 1016-1036): NADGIRGFPV[Val1026Ala]LQQISKSLNY

ClinVar aggregate classification (germline): Uncertain significance. Review status: criteria provided, multiple submitters, no conflicts (2 of 4 stars). 2 submissions from 2 submitters: Uncertain significance (2). Last evaluated 2025-06-30.

Conditions:
Spastic paraplegia. Identifiers: MedGen C0037772, HP:0001258.
Inborn genetic diseases. Identifiers: MedGen C0950123, MeSH D030342.

Allele frequency attached by ClinVar (database versions not stated): gnomAD exomes below 0.00001; TOPMed below 0.00001; ExAC 0.00001.
gnomAD v4.1: 19 of 1,614,042 alleles (0.0012%); highest among the groups gnomAD compares: Non-Finnish European, 0.0015%; no homozygotes.

Submissions (2):

Ambry Genetics
Classification: Uncertain significance for Inborn genetic diseases. Last evaluated: 2025-06-30. Review status: criteria provided, single submitter. Criteria: Ambry Variant Classification Scheme 2023. Collection method: clinical testing. Allele origin: germline.

Labcorp Genetics (formerly Invitae), Labcorp
Classification: Uncertain significance for Spastic paraplegia. Last evaluated: 2022-03-15. Review status: criteria provided, single submitter. Criteria: Invitae Variant Classification Sherloc (09022015). Collection method: clinical testing. Allele origin: germline.
Comment: This sequence change replaces valine, which is neutral and non-polar, with alanine, which is neutral and non-polar, at codon 1026 of the ZFYVE26 protein (p.Val1026Ala). In summary, the available evidence is currently insufficient to determine the role of this variant in disease. Therefore, it has been classified as a Variant of Uncertain Significance. Algorithms developed to predict the effect of missense changes on protein structure and function are either unavailable or do not agree on the potential impact of this missense change (SIFT: "Tolerated"; PolyPhen-2: "Probably Damaging"; Align-GVGD: "Class C0"). ClinVar contains an entry for this variant (Variation ID: 958657). This variant has not been reported in the literature in individuals affected with ZFYVE26-related conditions. This variant is present in population databases (rs748310249, gnomAD 0.0009%).